The following is an entry in ClinVar:

NM_004260.4(RECQL4):c.2099T>C (p.Leu700Pro)

Gene: RECQL4 (RecQ like helicase 4; minus strand). Cytogenetic location: 8q24.3.
Variant type: single nucleotide variant.
Coding change: c.2099T>C on transcript NM_004260.4 (MANE Select); coding-DNA position 2099, T replaced by C.
Protein change: p.Leu700Pro; replaces leucine 700 with proline.
Molecular consequence: missense variant.
Genome position (GRCh38, 1-based): chr8:144,513,672, A>G on the plus strand (T>C on the coding strand, the complement: RECQL4 is on the minus strand). VCF-style: chr8-144513672-A-G. GRCh37 (hg19) VCF-style: chr8-145739056-A-G.
Other names: short protein forms L700P.
Identifiers: ClinVar variation 239715 (VCV000239715.13), dbSNP rs563222200, ClinGen allele CA4948472.

ClinVar aggregate classification (germline): Conflicting classifications of pathogenicity. Review status: criteria provided, conflicting classifications (1 of 4 stars). 4 submissions from 4 submitters: Uncertain significance (3); Likely benign (1). Last evaluated 2026-01-27.

Conditions:
Inborn genetic diseases. Identifiers: MedGen C0950123, MeSH D030342.
Baller-Gerold syndrome (BGS). Also called: CRANIOSYNOSTOSIS WITH RADIAL DEFECTS. Identifiers: Orphanet 1225, MedGen C0265308, MONDO:0009039, OMIM 218600.
Rapadilino syndrome. Identifiers: Orphanet 3021, MedGen C1849453, MONDO:0009955, OMIM 266280.
Rothmund-Thomson syndrome type 2 (RTS2). Identifiers: Orphanet 221016, MedGen C5203410, MONDO:0016369, OMIM 268400.

Allele frequency attached by ClinVar (database versions not stated): gnomAD below 0.00001 and 0.00003; TOPMed 0.00003; gnomAD exomes 0.00009 and 0.00024; 1000 Genomes Project 30x 0.00016; 1000 Genomes Project 0.00020; ExAC 0.00029.
gnomAD v4.1: 128 of 1,554,902 alleles (0.0082%); highest among the groups gnomAD compares: South Asian, 0.14%; no homozygotes.

Submissions (4):

GeneDx
Classification: Uncertain significance. Last evaluated: 2026-01-27. Review status: criteria provided, single submitter. Criteria: GeneDx Variant Classification Process June 2021. Collection method: clinical testing. Allele origin: germline. Affected: yes.
Comment: In silico analysis supports that this missense variant has a deleterious effect on protein structure/function; Has not been previously published as pathogenic or benign to our knowledge

Ambry Genetics
Classification: Likely benign for Inborn genetic diseases. Last evaluated: 2024-11-20. Review status: criteria provided, single submitter. Criteria: Ambry Variant Classification Scheme 2023. Collection method: clinical testing. Allele origin: germline.

Labcorp Genetics (formerly Invitae), Labcorp
Classification: Uncertain significance for Baller-Gerold syndrome. Last evaluated: 2024-01-03. Review status: criteria provided, single submitter. Criteria: Invitae Variant Classification Sherloc (09022015). Collection method: clinical testing. Allele origin: germline.
Comment: This sequence change replaces leucine, which is neutral and non-polar, with proline, which is neutral and non-polar, at codon 700 of the RECQL4 protein (p.Leu700Pro). This variant is present in population databases (rs563222200, gnomAD 0.2%). This variant has not been reported in the literature in individuals affected with RECQL4-related conditions. ClinVar contains an entry for this variant (Variation ID: 239715). Advanced modeling of protein sequence and biophysical properties (such as structural, functional, and spatial information, amino acid conservation, physicochemical variation, residue mobility, and thermodynamic stability) performed at Invitae indicates that this missense variant is expected to disrupt RECQL4 protein function with a positive predictive value of 80%. In summary, the available evidence is currently insufficient to determine the role of this variant in disease. Therefore, it has been classified as a Variant of Uncertain Significance.

Fulgent Genetics
Classification: Uncertain significance for Baller-Gerold syndrome; Rapadilino syndrome; Rothmund-Thomson syndrome type 2. Last evaluated: 2021-10-27. Review status: criteria provided, single submitter. Criteria: ACMG Guidelines, 2015. Collection method: clinical testing. Allele origin: unknown.